The following is an entry in ClinVar:

NM_024301.5(FKRP):c.928G>A (p.Glu310Lys)

Gene: FKRP (fukutin related protein; plus strand). Cytogenetic location: 19q13.32.
Variant type: single nucleotide variant.
Coding change: c.928G>A on transcript NM_024301.5 (MANE Select); coding-DNA position 928, G replaced by A.
Protein change: p.Glu310Lys; replaces glutamic acid 310 with lysine.
Molecular consequence: missense variant.
Genome position (GRCh38, 1-based): chr19:46,756,378, G>A. VCF-style: chr19-46756378-G-A. GRCh37 (hg19) VCF-style: chr19-47259635-G-A.
Other names: c.928G>A, p.Glu310Lys (NM_001039885.3); c.928G>A (NM_024301.4); short protein forms E310K.
Identifiers: ClinVar variation 1921791 (VCV001921791.5), dbSNP rs765885747, ClinGen allele CA406496300.
Genomic context (GRCh38, chr19:46,756,378, plus strand): 5'-AACAAGGAGACCACGCGCTGCTTCGGAACCGTGGTGGGCGACACGCCCGCCTACCTCTAC[G>A]AGGAGCGCTGGACGCCCCCCTGCTGCCTGCGCGCGCTGCGCGAGACCGCCCGCTATGTGG-3'
Protein context (NP_077277.1, residues 300-320): VVGDTPAYLY[Glu310Lys]ERWTPPCCLR

ClinVar aggregate classification (germline): Uncertain significance. Review status: criteria provided, multiple submitters, no conflicts (2 of 4 stars). 2 submissions from 2 submitters: Uncertain significance (2). Last evaluated 2022-08-15.

Conditions:
Walker-Warburg congenital muscular dystrophy. Also called: Muscular dystrophy-dystroglycanopathy, type A; Walker-Warburg syndrome. Identifiers: Orphanet 899, MedGen C0265221, MONDO:0000171.

Submissions (2):

Labcorp Genetics (formerly Invitae), Labcorp
Classification: Uncertain significance for Walker-Warburg congenital muscular dystrophy. Last evaluated: 2022-08-15. Review status: criteria provided, single submitter. Criteria: Invitae Variant Classification Sherloc (09022015). Collection method: clinical testing. Allele origin: germline.
Comment: This sequence change replaces glutamic acid, which is acidic and polar, with lysine, which is basic and polar, at codon 310 of the FKRP protein (p.Glu310Lys). This variant is not present in population databases (gnomAD no frequency). This variant has not been reported in the literature in individuals affected with FKRP-related conditions. Algorithms developed to predict the effect of missense changes on protein structure and function (SIFT, PolyPhen-2, Align-GVGD) all suggest that this variant is likely to be tolerated. In summary, the available evidence is currently insufficient to determine the role of this variant in disease. Therefore, it has been classified as a Variant of Uncertain Significance.

Revvity Omics, Revvity
Classification: Uncertain significance. Last evaluated: 2019-07-02. Review status: criteria provided, single submitter. Criteria: ACMG Guidelines, 2015. Collection method: clinical testing. Allele origin: germline.